The following is an entry in ClinVar:

NM_198428.3(BBS9):c.2273C>T (p.Pro758Leu)

Gene: BBS9 (Bardet-Biedl syndrome 9; plus strand). Cytogenetic location: 7p14.3.
Variant type: single nucleotide variant.
Coding change: c.2273C>T on transcript NM_198428.3 (MANE Select); coding-DNA position 2273, C replaced by T.
Protein change: p.Pro758Leu; replaces proline 758 with leucine.
Molecular consequence: missense variant. On other transcripts: non-coding transcript variant (3), intron variant (1).
Genome position (GRCh38, 1-based): chr7:33,505,620, C>T. VCF-style: chr7-33505620-C-T. GRCh37 (hg19) VCF-style: chr7-33545232-C-T.
Other names: c.2168C>T, p.Pro723Leu (NM_001033604.2); c.2258C>T, p.Pro753Leu (NM_001033605.2); c.2273C>T, p.Pro758Leu (NM_001348036.1, NM_001348041.4, NM_001348043.3 and 1 more transcripts); c.2000C>T, p.Pro667Leu (NM_001348038.3); c.1895C>T, p.Pro632Leu (NM_001348039.3); c.2153C>T, p.Pro718Leu (NM_001348040.3, NM_014451.4); c.2138C>T, p.Pro713Leu (NM_001348042.3); c.1802C>T, p.Pro601Leu (NM_001348044.3); and 2 more; short protein forms P601L, P632L, P636L, P667L, P723L, P753L, P713L, P718L.
Identifiers: ClinVar variation 912209 (VCV000912209.8), dbSNP rs757754301, ClinGen allele CA4214642.

ClinVar aggregate classification (germline): Uncertain significance. Review status: criteria provided, multiple submitters, no conflicts (2 of 4 stars). 6 submissions from 6 submitters: Uncertain significance (5). 1 of the submissions does not count toward it. Last evaluated 2024-08-01.

Conditions:
Inborn genetic diseases. Identifiers: MedGen C0950123, MeSH D030342.
BBS9-related disorder. Also called: BBS9-related condition.
Bardet-Biedl syndrome 9 (BBS9). Identifiers: Orphanet 110, MedGen C1859567, MONDO:0014437, OMIM 615986.

Allele frequency attached by ClinVar (database versions not stated): gnomAD exomes 0.00002; TOPMed 0.00002; gnomAD 0.00003.
gnomAD v4.1: 35 of 1,613,612 alleles (0.0022%); highest among the groups gnomAD compares: East Asian, 0.011%; no homozygotes.

Submissions (6):

Ambry Genetics
Classification: Uncertain significance for Inborn genetic diseases. Last evaluated: 2024-08-01. Review status: criteria provided, single submitter. Criteria: Ambry Variant Classification Scheme 2023. Collection method: clinical testing. Allele origin: germline.

Blueprint Genetics
Classification: Uncertain significance. Last evaluated: 2023-12-26. Review status: criteria provided, single submitter. Criteria: ACMG Guidelines, 2015. Collection method: clinical testing. Allele origin: germline.

GeneDx
Classification: Uncertain significance. Last evaluated: 2022-09-28. Review status: criteria provided, single submitter. Criteria: GeneDx Variant Classification Process June 2021. Collection method: clinical testing. Allele origin: germline. Affected: yes.
Comment: In silico analysis supports that this missense variant has a deleterious effect on protein structure/function; Has not been previously published as pathogenic or benign to our knowledge

Fulgent Genetics
Classification: Uncertain significance for Bardet-Biedl syndrome 9. Last evaluated: 2021-08-13. Review status: criteria provided, single submitter. Criteria: ACMG Guidelines, 2015. Collection method: clinical testing. Allele origin: unknown.

Illumina Laboratory Services, Illumina
Classification: Uncertain significance for Bardet-Biedl syndrome 9. Last evaluated: 2018-01-13. Review status: criteria provided, single submitter. Criteria: ICSL Variant Classification Criteria 13 December 2019. Collection method: clinical testing. Allele origin: germline.

PreventionGenetics, part of Exact Sciences
Classification: Uncertain significance for BBS9-related condition. Last evaluated: 2024-04-26. Review status: no assertion criteria provided. Collection method: clinical testing. Allele origin: germline. Not counted in ClinVar's aggregate classification.
Comment: The BBS9 c.2273C>T variant is predicted to result in the amino acid substitution p.Pro758Leu. To our knowledge, this variant has not been reported in the literature. This variant is reported in 0.022% of alleles in individuals of East Asian descent in gnomAD. At this time, the clinical significance of this variant is uncertain due to the absence of conclusive functional and genetic evidence.